The following is an entry in ClinVar:

NM_020944.3(GBA2):c.2014G>A (p.Ala672Thr)

Gene: GBA2 (glucosylceramidase beta 2; minus strand). Cytogenetic location: 9p13.3.
Variant type: single nucleotide variant.
Coding change: c.2014G>A on transcript NM_020944.3 (MANE Select); coding-DNA position 2014, G replaced by A.
Protein change: p.Ala672Thr; replaces alanine 672 with threonine.
Molecular consequence: missense variant.
Genome position (GRCh38, 1-based): chr9:35,738,566, C>T on the plus strand (G>A on the coding strand, the complement: GBA2 is on the minus strand). VCF-style: chr9-35738566-C-T. GRCh37 (hg19) VCF-style: chr9-35738563-C-T.
Other names: c.2014G>A, p.Ala672Thr (NM_001330660.2); short protein forms A672T.
Identifiers: ClinVar variation 933440 (VCV000933440.9), dbSNP rs1313074779, ClinGen allele CA373408837.

ClinVar aggregate classification (germline): Uncertain significance (1 of 4 stars; one submission).

Conditions:
Spastic paraplegia. Identifiers: MedGen C0037772, HP:0001258.

Allele frequency attached by ClinVar (database versions not stated): gnomAD exomes below 0.00001 and 0.00001; gnomAD 0.00001.
gnomAD v4.1: 12 of 1,613,876 alleles (0.00074%); highest among the groups gnomAD compares: African/African-American, 0.004%; no homozygotes.

Submission:

Labcorp Genetics (formerly Invitae), Labcorp
Classification: Uncertain significance for Spastic paraplegia. Last evaluated: 2019-07-02. Review status: criteria provided, single submitter. Criteria: Invitae Variant Classification Sherloc (09022015). Collection method: clinical testing. Allele origin: germline.
Comment: This variant has not been reported in the literature in individuals with GBA2-related conditions. This sequence change replaces alanine with threonine at codon 672 of the GBA2 protein (p.Ala672Thr). The alanine residue is highly conserved and there is a small physicochemical difference between alanine and threonine. This variant is not present in population databases (ExAC no frequency). Algorithms developed to predict the effect of missense changes on protein structure and function are either unavailable or do not agree on the potential impact of this missense change (SIFT: "Deleterious"; PolyPhen-2: "Probably Damaging"; Align-GVGD: "Class C0"). In summary, the available evidence is currently insufficient to determine the role of this variant in disease. Therefore, it has been classified as a Variant of Uncertain Significance.